The following is an entry in ClinVar:

NM_183065.4(TMEM107):c.*766_*767del

Gene: TMEM107 (transmembrane protein 107; minus strand). Cytogenetic location: 17p13.1.
Variant type: Deletion.
Coding change: c.*766_*767del on transcript NM_183065.4 (MANE Select); 766 bases downstream of the stop codon through 767 bases downstream of the stop codon, 2 bases deleted (TT; older notation c.*766_*767delTT).
Molecular consequence: 3 prime UTR variant. On other transcripts: non-coding transcript variant (1).
Genome position (GRCh38, 1-based): chr17:8,173,436-8,173,437, AA deleted on the plus strand (TT on the coding strand, the reverse complement: TMEM107 is on the minus strand). VCF-style (leftmost placement, unchanged base first): chr17-8173435-TAA-T. GRCh37 (hg19) VCF-style: chr17-8076753-TAA-T.
Other names: c.*766_*767del (NM_001351278.2, NM_001351279.2, NM_001351280.2 and 1 more transcripts).
Identifiers: ClinVar variation 4987006 (VCV004987006.1).

ClinVar aggregate classification (germline): Likely benign (1 of 4 stars; one submission).

Conditions:
TMEM107-related disorder. Also called: TMEM107-related condition.

Submission:

PreventionGenetics, part of Exact Sciences
Classification: Likely benign for TMEM107-related condition. Last evaluated: 2025-02-06. Review status: criteria provided, single submitter. Criteria: ACMG Guidelines, 2015. Collection method: clinical testing. Allele origin: germline.
Comment: This variant is classified as likely benign based on ACMG/AMP sequence variant interpretation guidelines (Richards et al. 2015 PMID: 25741868, with internal and published modifications).